The following is an entry in ClinVar:

ClinVar aggregate classification (germline): Uncertain significance (1 of 4 stars; one submission).

Conditions:
Loeys-Dietz syndrome 2 (LDS2). Also called: TGFBR2-Related Loeys-Dietz Syndrome; AORTIC ANEURYSM, FAMILIAL THORACIC 3; MARFAN SYNDROME, TYPE II; Marfan syndrome, type 2 (formerly); Marfan like connective tissue disorder; MFS 2. Identifiers: Orphanet 284973, Orphanet 558, MedGen C2674574, MONDO:0012427, OMIM 610168.

Submission:

Labcorp Genetics (formerly Invitae), Labcorp
Classification: Uncertain significance for Loeys-Dietz syndrome 2. Last evaluated: 2024-09-06. Review status: criteria provided, single submitter. Criteria: Invitae Variant Classification Sherloc (09022015). Collection method: clinical testing. Allele origin: germline.
Comment: This sequence change replaces valine, which is neutral and non-polar, with methionine, which is neutral and non-polar, at codon 125 of the TMPO protein (p.Val125Met). This variant is present in population databases (no rsID available, gnomAD 0.03%). This variant has not been reported in the literature in individuals affected with TMPO-related conditions. ClinVar contains an entry for this variant (Variation ID: 849340). An algorithm developed to predict the effect of missense changes on protein structure and function (PolyPhen-2) suggests that this variant is likely to be disruptive. In summary, the available evidence is currently insufficient to determine the role of this variant in disease. Therefore, it has been classified as a Variant of Uncertain Significance.

NM_001032283.3(TMPO):c.373G>A (p.Val125Met)

Gene: TMPO (thymopoietin; plus strand). Cytogenetic location: 12q23.1.
Variant type: single nucleotide variant.
Coding change: c.373G>A on transcript NM_001032283.3 (MANE Select); coding-DNA position 373, G replaced by A.
Protein change: p.Val125Met; replaces valine 125 with methionine.
Molecular consequence: missense variant.
Genome position (GRCh38, 1-based): chr12:98,527,979, G>A. VCF-style: chr12-98527979-G-A. GRCh37 (hg19) VCF-style: chr12-98921757-G-A.
Other names: c.373G>A, p.Val125Met (NM_001032284.3, NM_001307975.2, NM_003276.2); short protein forms V125M.
Identifiers: ClinVar variation 849340 (VCV000849340.10), dbSNP rs1325674217, ClinGen allele CA386150898.
Genomic context (GRCh38, chr12:98,527,979, plus strand): 5'-GAAGATAAAGATGATCTAGATGTAACAGAGCTCACTAATGAAGATCTTTTGGATCAGCTT[G>A]TGAAATACGGAGTGAATCCTGGTCCTATTGTGGGTAAGTTGATAAAATTTCAAATACAGT-3'
Protein context (NP_001027454.1, residues 115-135): LTNEDLLDQL[Val125Met]KYGVNPGPIV